The following is an entry in ClinVar:

ClinVar aggregate classification (germline): Uncertain significance (1 of 4 stars; one submission).

Conditions:
Nemaline myopathy 2 (NEM2). Also called: Nemaline myopathy 2, autosomal recessive. Identifiers: MedGen C1850569, MONDO:0009725, OMIM 256030.

gnomAD v4.1: 3 of 1,613,970 alleles (0.00019%); highest among the groups gnomAD compares: Non-Finnish European, 0.00025%; no homozygotes.

Submission:

Labcorp Genetics (formerly Invitae), Labcorp
Classification: Uncertain significance for Nemaline myopathy 2. Last evaluated: 2021-07-20. Review status: criteria provided, single submitter. Criteria: Invitae Variant Classification Sherloc (09022015). Collection method: clinical testing. Allele origin: germline.
Comment: This sequence change replaces threonine with serine at codon 1657 of the NEB protein (p.Thr1657Ser). The threonine residue is moderately conserved and there is a small physicochemical difference between threonine and serine. This variant is not present in population databases (ExAC no frequency). This variant has not been reported in the literature in individuals affected with NEB-related conditions. Algorithms developed to predict the effect of missense changes on protein structure and function are either unavailable or do not agree on the potential impact of this missense change (SIFT: "Deleterious"; PolyPhen-2: "Not Available"; Align-GVGD: "Class C0"). Algorithms developed to predict the effect of sequence changes on RNA splicing suggest that this variant may create or strengthen a splice site. In summary, the available evidence is currently insufficient to determine the role of this variant in disease. Therefore, it has been classified as a Variant of Uncertain Significance.

NM_001164508.2(NEB):c.4970C>G (p.Thr1657Ser)

Gene: NEB (nebulin; minus strand). Cytogenetic location: 2q23.3.
Variant type: single nucleotide variant.
Coding change: c.4970C>G on transcript NM_001164508.2 (MANE Select); coding-DNA position 4970, C replaced by G.
Protein change: p.Thr1657Ser; replaces threonine 1657 with serine.
Molecular consequence: missense variant.
Genome position (GRCh38, 1-based): chr2:151,666,151, G>C on the plus strand (C>G on the coding strand, the complement: NEB is on the minus strand). VCF-style: chr2-151666151-G-C. GRCh37 (hg19) VCF-style: chr2-152522665-G-C.
Other names: c.4970C>G, p.Thr1657Ser (NM_001164507.2, NM_001271208.2, NM_004543.5); short protein forms T1657S.
Identifiers: ClinVar variation 1960917 (VCV001960917.2), dbSNP rs145632757, ClinGen allele CA348813125.
Genomic context (GRCh38, chr2:151,666,151, plus strand): 5'-TCACTCTGAATCTGCATGGCATTCCTGGAGTGCTCCACATTCAAGGCATCGGGCAGGAGA[G>C]TGTAGTGGTGGTATGACTGTCTGTAGTTGGCGTTGGTGGCAACCTCCTGAGATTTCTTTG-3'
Protein context (NP_001157980.2, residues 1647-1667): ANYRQSYHHY[Thr1657Ser]LLPDALNVEH